The following is an entry in ClinVar:

ClinVar aggregate classification (germline): Uncertain significance (1 of 4 stars; one submission).

Conditions:
RYR1-related disorder. Also called: RYR1-related condition; RYR1-related disorders. Identifiers: MedGen CN239331.

Submission:

Labcorp Genetics (formerly Invitae), Labcorp
Classification: Uncertain significance for RYR1-related disorder. Last evaluated: 2021-09-26. Review status: criteria provided, single submitter. Criteria: Invitae Variant Classification Sherloc (09022015). Collection method: clinical testing. Allele origin: germline.
Comment: Advanced modeling of protein sequence and biophysical properties (such as structural, functional, and spatial information, amino acid conservation, physicochemical variation, residue mobility, and thermodynamic stability) performed at Invitae indicates that this missense variant is not expected to disrupt RYR1 protein function. This variant has not been reported in the literature in individuals affected with RYR1-related conditions. This variant is not present in population databases (ExAC no frequency). This sequence change replaces aspartic acid with asparagine at codon 1888 of the RYR1 protein (p.Asp1888Asn). The aspartic acid residue is moderately conserved and there is a small physicochemical difference between aspartic acid and asparagine. In summary, the available evidence is currently insufficient to determine the role of this variant in disease. Therefore, it has been classified as a Variant of Uncertain Significance.

NM_000540.3(RYR1):c.5662G>A (p.Asp1888Asn)

Gene: RYR1 (ryanodine receptor 1; plus strand). Cytogenetic location: 19q13.2.
Variant type: single nucleotide variant.
Coding change: c.5662G>A on transcript NM_000540.3 (MANE Select); coding-DNA position 5662, G replaced by A.
Protein change: p.Asp1888Asn; replaces aspartic acid 1888 with asparagine.
Molecular consequence: missense variant.
Genome position (GRCh38, 1-based): chr19:38,489,291, G>A. VCF-style: chr19-38489291-G-A. GRCh37 (hg19) VCF-style: chr19-38979931-G-A.
Other names: c.5662G>A, p.Asp1888Asn (NM_001042723.2); short protein forms D1888N.
Identifiers: ClinVar variation 1356173 (VCV001356173.6), dbSNP rs2145558689, ClinGen allele CA081849.